The following is an entry in ClinVar:

NM_016219.5(MAN1B1):c.302A>G (p.Tyr101Cys)

Gene: MAN1B1 (mannosidase alpha class 1B member 1; plus strand). Cytogenetic location: 9q34.3.
Variant type: single nucleotide variant.
Coding change: c.302A>G on transcript NM_016219.5 (MANE Select); coding-DNA position 302, A replaced by G.
Protein change: p.Tyr101Cys; replaces tyrosine 101 with cysteine.
Molecular consequence: missense variant. On other transcripts: non-coding transcript variant (2).
Genome position (GRCh38, 1-based): chr9:137,088,157, A>G. VCF-style: chr9-137088157-A-G. GRCh37 (hg19) VCF-style: chr9-139982609-A-G.
Other names: short protein forms Y101C.
Identifiers: ClinVar variation 1033811 (VCV001033811.1), dbSNP rs748988185, ClinGen allele CA5358534.
Genomic context (GRCh38, chr9:137,088,157, plus strand): 5'-TGCAGCGGAATATGATTCTCTTCCTCCTTGCCTTTCTGCTTTTCTGTGGACTCCTCTTCT[A>G]CATCAACTTGGCTGACCATTGGAAAGGTATCAGAAACACGTGTACTTGAAAACGATATCT-3'
Protein context (NP_057303.2, residues 91-111): AFLLFCGLLF[Tyr101Cys]INLADHWKAL

ClinVar aggregate classification (germline): Uncertain significance (1 of 4 stars; one submission).

Conditions:
Rafiq syndrome (RAFQS). Identifiers: Orphanet 88616, MedGen C3280127, MONDO:0013624, OMIM 614202.

Allele frequency attached by ClinVar (database versions not stated): ExAC 0.00002; gnomAD exomes 0.00003.
gnomAD v4.1: 37 of 1,614,178 alleles (0.0023%); highest among the groups gnomAD compares: South Asian, 0.0044%; no homozygotes.

Submission:

Baylor Genetics
Classification: Uncertain significance for Rafiq syndrome. Last evaluated: 2018-10-12. Review status: criteria provided, single submitter. Criteria: ACMG Guidelines, 2015. Collection method: clinical testing. Allele origin: unknown. Affected: yes.
Comment: This variant was determined to be of uncertain significance according to ACMG Guidelines, 2015 [PMID:25741868].